The following is an entry in ClinVar:

ClinVar aggregate classification (germline): Conflicting classifications of pathogenicity. Review status: criteria provided, conflicting classifications (1 of 4 stars). 2 submissions from 2 submitters: Uncertain significance (1); Likely benign (1). Last evaluated 2026-01-14.

gnomAD v4.1: 8 of 1,604,348 alleles (0.0005%); highest among the groups gnomAD compares: African/African-American, 0.0013%; no homozygotes.

Submissions (2):

Labcorp Genetics (formerly Invitae), Labcorp
Classification: Uncertain significance. Last evaluated: 2026-01-14. Review status: criteria provided, single submitter. Criteria: Invitae Variant Classification Sherloc (09022015). Collection method: clinical testing. Allele origin: germline.
Comment: This sequence change falls in intron 10 of the COL9A2 gene. It does not directly change the encoded amino acid sequence of the COL9A2 protein. It affects a nucleotide within the consensus splice site. This variant is present in population databases (rs571193555, gnomAD 0.007%). This variant has not been reported in the literature in individuals affected with COL9A2-related conditions. Variants that disrupt the consensus splice site are a relatively common cause of aberrant splicing (PMID: 17576681, 9536098). Algorithms developed to predict the effect of sequence changes on RNA splicing suggest that this variant is not likely to affect RNA splicing. In summary, the available evidence is currently insufficient to determine the role of this variant in disease. Therefore, it has been classified as a Variant of Uncertain Significance.

Blueprint Genetics
Classification: Likely benign. Last evaluated: 2023-10-25. Review status: criteria provided, single submitter. Criteria: ACMG Guidelines, 2015. Collection method: clinical testing. Allele origin: germline.

Literature cited by the submitters: PubMed 17576681 (cited by Labcorp Genetics (formerly Invitae), Labcorp); PubMed 9536098 (cited by Labcorp Genetics (formerly Invitae), Labcorp).

NM_001852.4(COL9A2):c.519+3G>A

Gene: COL9A2 (collagen type IX alpha 2 chain; minus strand). Cytogenetic location: 1p34.2.
Variant type: single nucleotide variant.
Coding change: c.519+3G>A on transcript NM_001852.4 (MANE Select); 3 bases into the intron after coding-DNA position 519, G replaced by A.
Molecular consequence: intron variant.
Genome position (GRCh38, 1-based): chr1:40,311,497, C>T on the plus strand (G>A on the coding strand, the complement: COL9A2 is on the minus strand). VCF-style: chr1-40311497-C-T. GRCh37 (hg19) VCF-style: chr1-40777169-C-T.
Identifiers: ClinVar variation 4691440 (VCV004691440.2).